The following is an entry in ClinVar:

NM_145038.5(DRC1):c.1487T>G (p.Leu496Arg)

Gene: DRC1 (dynein regulatory complex subunit 1; plus strand). Cytogenetic location: 2p23.3.
Variant type: single nucleotide variant.
Coding change: c.1487T>G on transcript NM_145038.5 (MANE Select); coding-DNA position 1487, T replaced by G.
Protein change: p.Leu496Arg; replaces leucine 496 with arginine.
Molecular consequence: missense variant.
Genome position (GRCh38, 1-based): chr2:26,448,781, T>G. VCF-style: chr2-26448781-T-G. GRCh37 (hg19) VCF-style: chr2-26671649-T-G.
Other names: short protein forms L496R.
Identifiers: ClinVar variation 1510295 (VCV001510295.6), dbSNP rs2148003720, ClinGen allele CA346113984.

ClinVar aggregate classification (germline): Uncertain significance (1 of 4 stars; one submission).

Conditions:
Primary ciliary dyskinesia. Also called: Ciliary dyskinesia. Identifiers: Orphanet 244, MedGen C0008780, MONDO:0016575, HP:0012265.

Submission:

Labcorp Genetics (formerly Invitae), Labcorp
Classification: Uncertain significance for Primary ciliary dyskinesia. Last evaluated: 2022-07-25. Review status: criteria provided, single submitter. Criteria: Invitae Variant Classification Sherloc (09022015). Collection method: clinical testing. Allele origin: germline.
Comment: ClinVar contains an entry for this variant (Variation ID: 1510295). In summary, the available evidence is currently insufficient to determine the role of this variant in disease. Therefore, it has been classified as a Variant of Uncertain Significance. Algorithms developed to predict the effect of missense changes on protein structure and function are either unavailable or do not agree on the potential impact of this missense change (SIFT: "Deleterious"; PolyPhen-2: "Probably Damaging"; Align-GVGD: "Class C0"). This variant has not been reported in the literature in individuals affected with DRC1-related conditions. This variant is not present in population databases (gnomAD no frequency). This sequence change replaces leucine, which is neutral and non-polar, with arginine, which is basic and polar, at codon 496 of the DRC1 protein (p.Leu496Arg).